The following is an entry in ClinVar:

ClinVar aggregate classification (germline): Uncertain significance (1 of 4 stars; one submission).

Allele frequency attached by ClinVar (database versions not stated): TOPMed below 0.00001; gnomAD 0.00001.
gnomAD v4.1: 1 of 1,600,104 alleles (0.000062%); highest among the groups gnomAD compares: African/African-American, 0.0013%; no homozygotes.

Submission:

Labcorp Genetics (formerly Invitae), Labcorp
Classification: Uncertain significance. Last evaluated: 2022-04-01. Review status: criteria provided, single submitter. Criteria: Invitae Variant Classification Sherloc (09022015). Collection method: clinical testing. Allele origin: germline.
Comment: This variant is not present in population databases (gnomAD no frequency). In summary, the available evidence is currently insufficient to determine the role of this variant in disease. Therefore, it has been classified as a Variant of Uncertain Significance. Algorithms developed to predict the effect of missense changes on protein structure and function (SIFT, PolyPhen-2, Align-GVGD) all suggest that this variant is likely to be tolerated. This variant has not been reported in the literature in individuals affected with KIF11-related conditions. This sequence change replaces glycine, which is neutral and non-polar, with valine, which is neutral and non-polar, at codon 427 of the KIF11 protein (p.Gly427Val).

NM_004523.4(KIF11):c.1280G>T (p.Gly427Val)

Gene: KIF11 (kinesin family member 11; plus strand). Cytogenetic location: 10q23.33.
Variant type: single nucleotide variant.
Coding change: c.1280G>T on transcript NM_004523.4 (MANE Select); coding-DNA position 1280, G replaced by T.
Protein change: p.Gly427Val; replaces glycine 427 with valine.
Molecular consequence: missense variant.
Genome position (GRCh38, 1-based): chr10:92,628,870, G>T. VCF-style: chr10-92628870-G-T. GRCh37 (hg19) VCF-style: chr10-94388627-G-T.
Other names: short protein forms G427V.
Identifiers: ClinVar variation 1958982 (VCV001958982.5), dbSNP rs975246337, ClinGen allele CA211509566.
Genomic context (GRCh38, chr10:92,628,870, plus strand): 5'-TCATGAGTGGAAAATTAACTGTTCAAGAAGAGCAGATTGTAGAATTGATTGAAAAAATTG[G>T]TGCTGTTGAGGAGGAGCTGAATAGGGTAAGCACTTAAAATGATATTTACTGTTATGTGAA-3'
Protein context (NP_004514.2, residues 417-437): EQIVELIEKI[Gly427Val]AVEEELNRVT